The following is an entry in ClinVar:

NM_001572.5(IRF7):c.1118A>C (p.Lys373Thr)

Gene: IRF7 (interferon regulatory factor 7; minus strand). Cytogenetic location: 11p15.5.
Variant type: single nucleotide variant.
Coding change: c.1118A>C on transcript NM_001572.5 (MANE Select); coding-DNA position 1118, A replaced by C.
Protein change: p.Lys373Thr; replaces lysine 373 with threonine.
Molecular consequence: missense variant.
Genome position (GRCh38, 1-based): chr11:613,325, T>G on the plus strand (A>C on the coding strand, the complement: IRF7 is on the minus strand). VCF-style: chr11-613325-T-G. GRCh37 (hg19) VCF-style: chr11-613325-T-G.
Other names: c.1154A>C, p.Lys385Thr (NM_001440440.1); c.1115A>C, p.Lys372Thr (NM_001440442.1); c.1070A>C, p.Lys357Thr (NM_001440444.1); c.1028A>C, p.Lys343Thr (NM_001440445.1); c.746A>C, p.Lys249Thr (NM_001440446.1); c.1031A>C, p.Lys344Thr (NM_004029.4); c.1157A>C, p.Lys386Thr (NM_004031.4); short protein forms K249T, K372T, K373T, K343T, K344T, K385T, K357T, K386T.
Identifiers: ClinVar variation 4741998 (VCV004741998.1).

ClinVar aggregate classification (germline): Uncertain significance (1 of 4 stars; one submission).

Conditions:
Immunodeficiency 39 (IMD39). Identifiers: Orphanet 574918, MedGen C4225358, MONDO:0014597, OMIM 616345.

gnomAD v4.1: 12 of 1,611,686 alleles (0.00074%); highest among the groups gnomAD compares: Middle Eastern, 0.016%; no homozygotes.

Submission:

Labcorp Genetics (formerly Invitae), Labcorp
Classification: Uncertain significance for Immunodeficiency 39. Last evaluated: 2025-03-31. Review status: criteria provided, single submitter. Criteria: Invitae Variant Classification Sherloc (09022015). Collection method: clinical testing. Allele origin: germline.
Comment: This sequence change replaces lysine, which is basic and polar, with threonine, which is neutral and polar, at codon 386 of the IRF7 protein (p.Lys386Thr). This variant is present in population databases (rs776600480, gnomAD 0.002%). This missense change has been observed in individual(s) with congenital hydrocephalus (PMID: 33077954). Invitae Evidence Modeling of protein sequence and biophysical properties (such as structural, functional, and spatial information, amino acid conservation, physicochemical variation, residue mobility, and thermodynamic stability) has been performed for this missense variant. However, the output from this modeling did not meet the statistical confidence thresholds required to predict the impact of this variant on IRF7 protein function. In summary, the available evidence is currently insufficient to determine the role of this variant in disease. Therefore, it has been classified as a Variant of Uncertain Significance.

Literature cited by the submitters: PubMed 33077954.